The following is an entry in ClinVar:

ClinVar aggregate classification (germline): Pathogenic (1 of 4 stars; one submission).

Submission:

Labcorp Genetics (formerly Invitae), Labcorp
Classification: Pathogenic. Last evaluated: 2024-08-04. Review status: criteria provided, single submitter. Criteria: Invitae Variant Classification Sherloc (09022015). Collection method: clinical testing. Allele origin: germline.
Comment: This sequence change affects a donor splice site in intron 9 of the OTOF gene. It is expected to disrupt RNA splicing. Variants that disrupt the donor or acceptor splice site typically lead to a loss of protein function (PMID: 16199547), and loss-of-function variants in OTOF are known to be pathogenic (PMID: 18381613, 19250381, 22575033). This variant is not present in population databases (gnomAD no frequency). Disruption of this splice site has been observed in individuals with deafness (PMID: 25991456; Invitae). Algorithms developed to predict the effect of sequence changes on RNA splicing suggest that this variant may disrupt the consensus splice site. For these reasons, this variant has been classified as Pathogenic.

Literature cited by the submitters: PubMed 16199547; PubMed 18381613; PubMed 19250381; PubMed 22575033; PubMed 25991456.

NM_194248.3(OTOF):c.897+1G>A

Gene: OTOF (otoferlin; minus strand). Cytogenetic location: 2p23.3.
Variant type: single nucleotide variant.
Coding change: c.897+1G>A on transcript NM_194248.3 (MANE Select); the canonical splice donor site of the intron after coding-DNA position 897, G replaced by A.
Molecular consequence: splice donor variant.
Genome position (GRCh38, 1-based): chr2:26,494,941, C>T on the plus strand (G>A on the coding strand, the complement: OTOF is on the minus strand). VCF-style: chr2-26494941-C-T. GRCh37 (hg19) VCF-style: chr2-26717809-C-T.
Other names: c.897+1G>A (NM_001287489.2).
Identifiers: ClinVar variation 3660754 (VCV003660754.2).